The following is an entry in ClinVar:

NM_001370259.2(MEN1):c.361G>T (p.Val121Phe)

Gene: MEN1 (menin 1; minus strand). Cytogenetic location: 11q13.1.
Variant type: single nucleotide variant.
Coding change: c.361G>T on transcript NM_001370259.2 (MANE Select); coding-DNA position 361, G replaced by T.
Protein change: p.Val121Phe; replaces valine 121 with phenylalanine.
Molecular consequence: missense variant.
Genome position (GRCh38, 1-based): chr11:64,809,749, C>A on the plus strand (G>T on the coding strand, the complement: MEN1 is on the minus strand). VCF-style: chr11-64809749-C-A. GRCh37 (hg19) VCF-style: chr11-64577221-C-A.
Other names: c.361G>T, p.Val121Phe (NM_001370263.2, NM_130799.3, NM_130800.3 and 9 more transcripts); short protein forms V121F.
Identifiers: ClinVar variation 582163 (VCV000582163.9), dbSNP rs863224812, ClinGen allele CA381187329.

ClinVar aggregate classification (germline): Uncertain significance. Review status: criteria provided, multiple submitters, no conflicts (2 of 4 stars). 2 submissions from 2 submitters: Uncertain significance (2). Last evaluated 2024-06-25.

Conditions:
Hereditary cancer-predisposing syndrome. Also called: Neoplastic Syndromes, Hereditary; Hereditary Cancer Syndrome; Tumor predisposition; Hereditary neoplastic syndrome. Identifiers: Orphanet 140162, MedGen C0027672, MeSH D009386, MONDO:0015356.
Multiple endocrine neoplasia, type 1 (MEN1). Also called: MEN I; WERMER SYNDROME; Endocrine adenomatosis multiple; MEN 1; MEA I. Identifiers: Orphanet 652, MedGen C0025267, MeSH D018761, MONDO:0007540, OMIM 131100.

Submissions (2):

Ambry Genetics
Classification: Uncertain significance for Hereditary cancer-predisposing syndrome. Last evaluated: 2024-06-25. Review status: criteria provided, single submitter. Criteria: Ambry Variant Classification Scheme 2023. Collection method: clinical testing. Allele origin: germline.
Comment: The p.V121F variant (also known as c.361G>T), located in coding exon 1 of the MEN1 gene, results from a G to T substitution at nucleotide position 361. The valine at codon 121 is replaced by phenylalanine, an amino acid with highly similar properties. This amino acid position is highly conserved in available vertebrate species. In addition, this alteration is predicted to be deleterious by in silico analysis. Based on the available evidence, the clinical significance of this variant remains unclear.

Labcorp Genetics (formerly Invitae), Labcorp
Classification: Uncertain significance for Multiple endocrine neoplasia, type 1. Last evaluated: 2021-09-01. Review status: criteria provided, single submitter. Criteria: Invitae Variant Classification Sherloc (09022015). Collection method: clinical testing. Allele origin: germline.
Comment: This sequence change replaces valine with phenylalanine at codon 121 of the MEN1 protein (p.Val121Phe). The valine residue is highly conserved and there is a small physicochemical difference between valine and phenylalanine. This variant is not present in population databases (ExAC no frequency). This variant has not been reported in the literature in individuals affected with MEN1-related conditions. Algorithms developed to predict the effect of missense changes on protein structure and function are either unavailable or do not agree on the potential impact of this missense change (SIFT: "Deleterious"; PolyPhen-2: "Probably Damaging"; Align-GVGD: "Class C0"). In summary, the available evidence is currently insufficient to determine the role of this variant in disease. Therefore, it has been classified as a Variant of Uncertain Significance.